The following is an entry in ClinVar:

NM_003846.3(PEX11B):c.499G>A (p.Gly167Arg)

Gene: PEX11B (peroxisomal biogenesis factor 11 beta; minus strand). Cytogenetic location: 1q21.1.
Variant type: single nucleotide variant.
Coding change: c.499G>A on transcript NM_003846.3 (MANE Select); coding-DNA position 499, G replaced by A.
Protein change: p.Gly167Arg; replaces glycine 167 with arginine.
Molecular consequence: missense variant. On other transcripts: non-coding transcript variant (3).
Genome position (GRCh38, 1-based): chr1:145,912,442, C>T on the plus strand (G>A on the coding strand, the complement: PEX11B is on the minus strand). VCF-style: chr1-145912442-C-T. GRCh37 (hg19) VCF-style: chr1-145522638-G-A.
Other names: c.457G>A, p.Gly153Arg (NM_001184795.1); short protein forms G167R, G153R.
Identifiers: ClinVar variation 2065083 (VCV002065083.4), dbSNP rs781994940, ClinGen allele CA1055621.

ClinVar aggregate classification (germline): Uncertain significance (1 of 4 stars; one submission).

Allele frequency attached by ClinVar (database versions not stated): gnomAD exomes below 0.00001; ExAC 0.00001.
gnomAD v4.1: 2 of 1,556,260 alleles (0.00013%); highest among the groups gnomAD compares: Non-Finnish European, 0.00017%; no homozygotes.

Submission:

Labcorp Genetics (formerly Invitae), Labcorp
Classification: Uncertain significance. Last evaluated: 2022-08-05. Review status: criteria provided, single submitter. Criteria: Invitae Variant Classification Sherloc (09022015). Collection method: clinical testing. Allele origin: germline.
Comment: This sequence change replaces glycine, which is neutral and non-polar, with arginine, which is basic and polar, at codon 167 of the PEX11B protein (p.Gly167Arg). This variant is present in population databases (rs781994940, gnomAD 0.002%). This variant has not been reported in the literature in individuals affected with PEX11B-related conditions. Algorithms developed to predict the effect of missense changes on protein structure and function are either unavailable or do not agree on the potential impact of this missense change (SIFT: "Tolerated"; PolyPhen-2: "Possibly Damaging"; Align-GVGD: "Class C0"). In summary, the available evidence is currently insufficient to determine the role of this variant in disease. Therefore, it has been classified as a Variant of Uncertain Significance.